The following is an entry in ClinVar:

NM_000540.3(RYR1):c.5673G>C (p.Glu1891Asp)

Gene: RYR1 (ryanodine receptor 1; plus strand). Cytogenetic location: 19q13.2.
Variant type: single nucleotide variant.
Coding change: c.5673G>C on transcript NM_000540.3 (MANE Select); coding-DNA position 5673, G replaced by C.
Protein change: p.Glu1891Asp; replaces glutamic acid 1891 with aspartic acid.
Molecular consequence: missense variant.
Genome position (GRCh38, 1-based): chr19:38,489,302, G>C. VCF-style: chr19-38489302-G-C. GRCh37 (hg19) VCF-style: chr19-38979942-G-C.
Other names: c.5673G>C, p.Glu1891Asp (NM_001042723.2); short protein forms E1891D.
Identifiers: ClinVar variation 3069522 (VCV003069522.1), dbSNP rs751039626, ClinGen allele CA067367.

ClinVar aggregate classification (germline): Uncertain significance (1 of 4 stars; one submission).

Conditions:
Malignant hyperthermia, susceptibility to, 1 (MHS1). Also called: RYR1-Related Malignant Hyperthermia Susceptibility; Anesthesia related hyperthermia; Malignant hyperpyrexia; Fulminating hyperpyrexia; Pharmacogenic myopathy; Malignant hyperthermia suceptibility 1. Identifiers: Orphanet 423, MedGen C2930980, MONDO:0007783, OMIM 145600.

gnomAD v4.1: 5 of 1,602,702 alleles (0.00031%); highest among the groups gnomAD compares: Middle Eastern, 0.033%; no homozygotes.

Submission:

All of Us Research Program, National Institutes of Health
Classification: Uncertain significance for Malignant hyperthermia, susceptibility to, 1. Last evaluated: 2023-04-27. Review status: criteria provided, single submitter. Criteria: ACMG Guidelines, 2015. Collection method: clinical testing. Allele origin: germline. Inheritance: Autosomal dominant inheritance. Observed: 3 variant alleles, 3 heterozygotes.
Comment: This missense variant replaces glutamic acid with aspartic acid at codon 1891 of the RYR1 protein. Computational prediction suggests that this variant may not impact protein structure and function (internally defined REVEL score threshold <= 0.5, PMID: 27666373). To our knowledge, functional studies have not been reported for this variant. This variant has not been reported in individuals affected with RYR1-related disorders in the literature. This variant has been identified in 2/247706 chromosomes in the general population by the Genome Aggregation Database (gnomAD). The available evidence is insufficient to determine the role of this variant in disease conclusively. Therefore, this variant is classified as a Variant of Uncertain Significance.

This study involves interpretation of variants in research participants for the purpose of population health screening. Participant phenotype was not available at the time of variant classification. Additional details can be found in publication PMID: 35346344, PMCID: PMC8962531